The following is an entry in ClinVar:

ClinVar aggregate classification (germline): Benign (1 of 4 stars; one submission).

Allele frequency attached by ClinVar (database versions not stated): TOPMed 0.02259; gnomAD 0.02478; 1000 Genomes Project 30x 0.02842; 1000 Genomes Project 0.03055.
gnomAD v4.1: 3,245 of 152,080 alleles (2.1%); highest among the groups gnomAD compares: East Asian, 9.4%; 65 homozygotes.

Submission:

GeneDx
Classification: Benign. Last evaluated: 2018-06-14. Review status: criteria provided, single submitter. Criteria: GeneDx Variant Classification (06012015). Collection method: clinical testing. Allele origin: germline. Affected: yes.
Comment: This variant is considered likely benign or benign based on one or more of the following criteria: it is a conservative change, it occurs at a poorly conserved position in the protein, it is predicted to be benign by multiple in silico algorithms, and/or has population frequency not consistent with disease.

NM_001267550.2(TTN):c.40478-297T>C

Gene: TTN (titin; minus strand). Cytogenetic location: 2q31.2.
Variant type: single nucleotide variant.
Coding change: c.40478-297T>C on transcript NM_001267550.2 (MANE Select); 297 bases into the intron before coding-DNA position 40478, T replaced by C.
Molecular consequence: intron variant.
Genome position (GRCh38, 1-based): chr2:178,642,614, A>G on the plus strand (T>C on the coding strand, the complement: TTN is on the minus strand). VCF-style: chr2-178642614-A-G. GRCh37 (hg19) VCF-style: chr2-179507341-A-G.
Other names: c.13283-297T>C (NM_003319.4); c.13859-297T>C (NM_133437.4); c.13658-297T>C (NM_133432.3); c.32774-297T>C (NM_133378.4); c.35555-297T>C (NM_001256850.1).
Identifiers: ClinVar variation 680829 (VCV000680829.1), dbSNP rs2742358, ClinGen allele CA11203789.